The following is an entry in ClinVar:

ClinVar aggregate classification (germline): Uncertain significance (1 of 4 stars; one submission).

Conditions:
Pitt-Hopkins-like syndrome 2 (PTHSL2). Identifiers: Orphanet 221150, Orphanet 600663, MedGen C3280479, MONDO:0013690, OMIM 614325.

Submission:

Labcorp Genetics (formerly Invitae), Labcorp
Classification: Uncertain significance for Pitt-Hopkins-like syndrome 2. Last evaluated: 2019-05-29. Review status: criteria provided, single submitter. Criteria: Invitae Variant Classification Sherloc (09022015). Collection method: clinical testing. Allele origin: germline.
Comment: This variant has not been reported in the literature in individuals with NRXN1-related conditions. This variant is not present in population databases (ExAC no frequency). This sequence change replaces phenylalanine with leucine at codon 1111 of the NRXN1 protein (p.Phe1111Leu). The phenylalanine residue is highly conserved and there is a small physicochemical difference between phenylalanine and leucine. Algorithms developed to predict the effect of missense changes on protein structure and function (SIFT, PolyPhen-2, Align-GVGD) all suggest that this variant is likely to be tolerated, but these predictions have not been confirmed by published functional studies and their clinical significance is uncertain. In summary, the available evidence is currently insufficient to determine the role of this variant in disease. Therefore, it has been classified as a Variant of Uncertain Significance.

NM_001330078.2(NRXN1):c.3211T>C (p.Phe1071Leu)

Gene: NRXN1 (neurexin 1; minus strand). Cytogenetic location: 2p16.3.
Variant type: single nucleotide variant.
Coding change: c.3211T>C on transcript NM_001330078.2 (MANE Select); coding-DNA position 3211, T replaced by C.
Protein change: p.Phe1071Leu; replaces phenylalanine 1071 with leucine.
Molecular consequence: missense variant.
Genome position (GRCh38, 1-based): chr2:50,472,331, A>G on the plus strand (T>C on the coding strand, the complement: NRXN1 is on the minus strand). VCF-style: chr2-50472331-A-G. GRCh37 (hg19) VCF-style: chr2-50699469-A-G.
Other names: c.3331T>C, p.Phe1111Leu (NM_001135659.3); c.3187T>C, p.Phe1063Leu (NM_001330077.2, NM_001330082.2); c.3145T>C, p.Phe1049Leu (NM_001330083.2, NM_001330084.2); c.3184T>C, p.Phe1062Leu (NM_001330085.2); c.3211T>C, p.Phe1071Leu (NM_001330086.2, NM_004801.6); c.3100T>C, p.Phe1034Leu (NM_001330087.2, NM_001330096.2); c.3130T>C, p.Phe1044Leu (NM_001330088.2); c.3208T>C, p.Phe1070Leu (NM_001330093.2); and 2 more; short protein forms F1034L, F1111L, F1049L, F1062L, F1067L, F1044L, F1054L, F1063L.
Identifiers: ClinVar variation 947292 (VCV000947292.9), dbSNP rs2089560015, ClinGen allele CA346772070.